The following is an entry in ClinVar:

ClinVar aggregate classification (germline): Likely benign (1 of 4 stars; one submission).

Submission:

CeGaT Center for Human Genetics Tuebingen
Classification: Likely benign. Last evaluated: 2026-01-01. Review status: criteria provided, single submitter. Criteria: CeGaT Center For Human Genetics Tuebingen Variant Classification Criteria Version 2. Collection method: clinical testing. Allele origin: germline. Affected: yes. Observed: 1 variant allele.
Comment: APC2: BP4, BP7

NM_005883.3(APC2):c.2373G>A (p.Ala791=)

Gene: APC2 (APC regulator of Wnt signaling pathway 2; plus strand). Cytogenetic location: 19p13.3.
Variant type: single nucleotide variant.
Coding change: c.2373G>A on transcript NM_005883.3 (MANE Select); coding-DNA position 2373, G replaced by A.
Protein change: p.Ala791=; no amino-acid change (alanine 791 retained).
Molecular consequence: synonymous variant.
Genome position (GRCh38, 1-based): chr19:1,465,674, G>A. VCF-style: chr19-1465674-G-A. GRCh37 (hg19) VCF-style: chr19-1465673-G-A.
Other names: c.2370G>A, p.Ala790= (NM_001351273.1).
Identifiers: ClinVar variation 4822266 (VCV004822266.4).
Genomic context (GRCh38, chr19:1,465,674, plus strand): 5'-TGCTTCCGATTCGGGCTGCTTTGACGACGACGATGCACCGTCATCCCTGGCTGCGGCCGC[G>A]GCCACCGGGGAGCCAGCCAGCCCTGCCGCGCTGTCCCTCTTCCTGGGCAGCCCCTTCCTG-3'
Protein context (NP_005874.1, residues 781-801): DDAPSSLAAA[Ala791=]ATGEPASPAA